The following is an entry in ClinVar:

ClinVar aggregate classification (germline): Uncertain significance (1 of 4 stars; one submission).

Submission:

GeneDx
Classification: Uncertain significance. Last evaluated: 2023-11-25. Review status: criteria provided, single submitter. Criteria: GeneDx Variant Classification Process June 2021. Collection method: clinical testing. Allele origin: germline. Affected: yes.
Comment: Has not been previously published as pathogenic or benign to our knowledge; Not observed at significant frequency in large population cohorts (gnomAD); In silico analysis supports that this missense variant has a deleterious effect on protein structure/function

NM_000827.4(GRIA1):c.2621A>G (p.Glu874Gly)

Gene: GRIA1 (glutamate ionotropic receptor AMPA type subunit 1; plus strand). Cytogenetic location: 5q33.2.
Variant type: single nucleotide variant.
Coding change: c.2621A>G on transcript NM_000827.4 (MANE Select); coding-DNA position 2621, A replaced by G.
Protein change: p.Glu874Gly; replaces glutamic acid 874 with glycine.
Molecular consequence: missense variant. On other transcripts: non-coding transcript variant (2).
Genome position (GRCh38, 1-based): chr5:153,811,125, A>G. VCF-style: chr5-153811125-A-G. GRCh37 (hg19) VCF-style: chr5-153190685-A-G.
Other names: c.2621A>G, p.Glu874Gly (NM_001114183.2); c.2381A>G, p.Glu794Gly (NM_001258019.2); c.2336A>G, p.Glu779Gly (NM_001258020.2); c.2651A>G, p.Glu884Gly (NM_001258021.2, NM_001258022.2); c.2414A>G, p.Glu805Gly (NM_001258023.1, NM_001364167.2); c.2453A>G, p.Glu818Gly (NM_001364165.2); c.2648A>G, p.Glu883Gly (NM_001364166.2); short protein forms E884G, E779G, E794G, E805G, E818G, E874G, E883G.
Identifiers: ClinVar variation 3364885 (VCV003364885.1).